The following is an entry in ClinVar:

ClinVar aggregate classification (germline): Uncertain significance (1 of 4 stars; one submission).

Conditions:
Progressive sclerosing poliodystrophy (MTDPS4A). Also called: Mitochondrial DNA depletion syndrome 4A (Alpers type); ALPERS PROGRESSIVE INFANTILE POLIODYSTROPHY; NEURONAL DEGENERATION OF CHILDHOOD WITH LIVER DISEASE, PROGRESSIVE; Alpers Syndrome; ALPERS DIFFUSE DEGENERATION OF CEREBRAL GRAY MATTER WITH HEPATIC CIRRHOSIS; Alpers-Huttenlocher Syndrome. Identifiers: Orphanet 726, MedGen C0205710, MONDO:0008758, OMIM 203700.

Submission:

Labcorp Genetics (formerly Invitae), Labcorp
Classification: Uncertain significance for Progressive sclerosing poliodystrophy. Last evaluated: 2023-03-11. Review status: criteria provided, single submitter. Criteria: Invitae Variant Classification Sherloc (09022015). Collection method: clinical testing. Allele origin: germline.
Comment: In summary, the available evidence is currently insufficient to determine the role of this variant in disease. Therefore, it has been classified as a Variant of Uncertain Significance. Advanced modeling of protein sequence and biophysical properties (such as structural, functional, and spatial information, amino acid conservation, physicochemical variation, residue mobility, and thermodynamic stability) has been performed at Invitae for this missense variant, however the output from this modeling did not meet the statistical confidence thresholds required to predict the impact of this variant on POLG protein function. This missense change has been observed in individual(s) with autosomal recessive POLG-related conditions (PMID: 30009132). This variant is not present in population databases (gnomAD no frequency). This sequence change replaces methionine, which is neutral and non-polar, with isoleucine, which is neutral and non-polar, at codon 459 of the POLG protein (p.Met459Ile).

Literature cited by the submitters: PubMed 30009132.

NM_002693.3(POLG):c.1377G>A (p.Met459Ile)

Gene: POLG (DNA polymerase gamma, catalytic subunit; minus strand). Cytogenetic location: 15q26.1.
Variant type: single nucleotide variant.
Coding change: c.1377G>A on transcript NM_002693.3 (MANE Select); coding-DNA position 1377, G replaced by A.
Protein change: p.Met459Ile; replaces methionine 459 with isoleucine.
Molecular consequence: missense variant.
Genome position (GRCh38, 1-based): chr15:89,327,223, C>T on the plus strand (G>A on the coding strand, the complement: POLG is on the minus strand). VCF-style: chr15-89327223-C-T. GRCh37 (hg19) VCF-style: chr15-89870454-C-T.
Other names: c.1377G>A, p.Met459Ile (NM_001126131.2); short protein forms M459I.
Identifiers: ClinVar variation 2845006 (VCV002845006.3), dbSNP rs2509256050, ClinGen allele CA393761879.